The following is an entry in ClinVar:

ClinVar aggregate classification (germline): Conflicting classifications of pathogenicity. Review status: criteria provided, conflicting classifications (1 of 4 stars). 2 submissions from 2 submitters: Likely pathogenic (1); Uncertain significance (1). Last evaluated 2023-10-13.

Conditions:
GNB1-related disorder. Also called: GNB1-related condition.

Submissions (2):

Blueprint Genetics
Classification: Likely pathogenic for GNB1-related disorders. Last evaluated: 2023-10-13. Review status: criteria provided, single submitter. Criteria: ACMG Guidelines, 2015. Collection method: clinical testing. Allele origin: germline. Affected: yes. Observed: 1 variant allele.

Labcorp Genetics (formerly Invitae), Labcorp
Classification: Uncertain significance. Last evaluated: 2022-05-13. Review status: criteria provided, single submitter. Criteria: Invitae Variant Classification Sherloc (09022015). Collection method: clinical testing. Allele origin: germline.
Comment: In summary, the available evidence is currently insufficient to determine the role of this variant in disease. Therefore, it has been classified as a Variant of Uncertain Significance. Algorithms developed to predict the effect of missense changes on protein structure and function (SIFT, PolyPhen-2, Align-GVGD) all suggest that this variant is likely to be disruptive. This variant has not been reported in the literature in individuals affected with GNB1-related conditions. This variant is not present in population databases (gnomAD no frequency). This sequence change replaces glycine, which is neutral and non-polar, with arginine, which is basic and polar, at codon 282 of the GNB1 protein (p.Gly282Arg).

NM_002074.5(GNB1):c.844G>A (p.Gly282Arg)

Gene: GNB1 (G protein subunit beta 1; minus strand). Cytogenetic location: 1p36.33.
Variant type: single nucleotide variant.
Coding change: c.844G>A on transcript NM_002074.5 (MANE Select); coding-DNA position 844, G replaced by A.
Protein change: p.Gly282Arg; replaces glycine 282 with arginine.
Molecular consequence: missense variant.
Genome position (GRCh38, 1-based): chr1:1,789,125, C>T on the plus strand (G>A on the coding strand, the complement: GNB1 is on the minus strand). VCF-style: chr1-1789125-C-T. GRCh37 (hg19) VCF-style: chr1-1720564-C-T.
Other names: c.544G>A, p.Gly182Arg (NM_001282538.2); c.844G>A, p.Gly282Arg (NM_001282539.2); short protein forms G182R, G282R.
Identifiers: ClinVar variation 1929964 (VCV001929964.6), dbSNP rs2522185803, ClinGen allele CA337903817.